The following is an entry in ClinVar:

NM_001692.4(ATP6V1B1):c.91C>T (p.Arg31Ter)

Gene: ATP6V1B1 (ATPase H+ transporting V1 subunit B1; plus strand). Cytogenetic location: 2p13.3.
Variant type: single nucleotide variant.
Coding change: c.91C>T on transcript NM_001692.4 (MANE Select); coding-DNA position 91, C replaced by T.
Protein change: p.Arg31Ter; replaces arginine 31 with a stop codon.
Molecular consequence: nonsense.
Genome position (GRCh38, 1-based): chr2:70,936,045, C>T. VCF-style: chr2-70936045-C-T. GRCh37 (hg19) VCF-style: chr2-71163175-C-T.
Other names: c.91C>T (NM_001692.3); short protein forms R31*.
Identifiers: ClinVar variation 12225 (VCV000012225.17), dbSNP rs121964879, ClinGen allele CA121983.
Genomic context (GRCh38, chr2:70,936,045, plus strand): 5'-GGGCTCCCCGGCAGTAGCTGCAACCTAGGTGCAGCCCGAGAACACATGCAGGCGGTCACC[C>T]GAAACTACATCACCCACCCCCGTGTCAGTGAGTAGCCCCTCCACCGTGACGGGTGAGGTC-3'

ClinVar aggregate classification (germline): Pathogenic. Review status: criteria provided, multiple submitters, no conflicts (2 of 4 stars). 6 submissions from 6 submitters: Pathogenic (5). 1 of the submissions does not count toward it. Last evaluated 2025-04-20.

Conditions:
Renal tubular acidosis with progressive nerve deafness. Also called: Distal Renal Tubular Acidosis with Progressive Sensorineural Deafness; RENAL TUBULAR ACIDOSIS, AUTOSOMAL RECESSIVE, WITH PROGRESSIVE NERVE DEAFNESS; RTA WITH PROGRESSIVE NERVE DEAFNESS; renal tubular acidosis, distal, 2, with progressive sensorineural hearing loss. Identifiers: MedGen C0403554, MONDO:0009968, OMIM 267300.

gnomAD v4.1: 7 of 1,614,028 alleles (0.00043%); highest among the groups gnomAD compares: Non-Finnish European, 0.00059%; no homozygotes.

Submissions (6):

Natera, Inc.
Classification: Pathogenic for Renal tubular acidosis with progressive nerve deafness. Last evaluated: 2025-04-20. Review status: criteria provided, single submitter. Criteria: Natera Variant Classification Schema (03/2026). Collection method: clinical testing. Allele origin: germline.
Comment: The c.91C>T variant in ATP6V1B1 is a nonsense variant predicted to introduce a stop codon at amino acid 31. This variant is expected to result in nonsense mediated decay, truncation, or a dysfunctional protein product. This variant is rare in the general population with a frequency below the threshold expected for the associated phenotype(s). This variant has been observed in one or more individuals affected with the associated recessive disease, as either homozygous or compound heterozygous with a second variant (PMID: 30773598, 17216496, 19478356). Additionally, this variant has been observed to segregate in affected family members (PMID: 9916796). Given the available evidence, this variant is classified as Pathogenic.

3billion
Classification: Pathogenic for Renal tubular acidosis with progressive nerve deafness. Last evaluated: 2024-10-10. Review status: criteria provided, single submitter. Criteria: ACMG Guidelines, 2015. Collection method: clinical testing. Allele origin: germline. Affected: yes.
Comment: The variant is observed at an extremely low frequency in the gnomAD v4.1.0 dataset (total allele frequency: <0.001%). Predicted Consequence/Location: Stop-gained (nonsense): predicted to result in a loss or disruption of normal protein function through nonsense-mediated decay (NMD) or protein truncation. Multiple pathogenic variants are reported downstream of the variant. The variant has been reported to be associated with ATP6V1B1 related disorder (ClinVar ID: VCV000012225 /PMID: 9916796). Therefore, this variant is classified as Pathogenic according to the recommendation of ACMG/AMP guideline.

GeneDx
Classification: Pathogenic. Last evaluated: 2024-09-25. Review status: criteria provided, single submitter. Criteria: GeneDx Variant Classification Process June 2021. Collection method: clinical testing. Allele origin: germline. Affected: yes.
Comment: Nonsense variant predicted to result in protein truncation or nonsense mediated decay in a gene for which loss of function is a known mechanism of disease; Not observed at significant frequency in large population cohorts (gnomAD); This variant is associated with the following publications: (PMID: 17216496, 19478356, 33358363, 35990030, 23923981, 18368028, 9916796)

Fulgent Genetics
Classification: Pathogenic for Renal tubular acidosis with progressive nerve deafness. Last evaluated: 2024-04-19. Review status: criteria provided, single submitter. Criteria: ACMG Guidelines, 2015. Collection method: clinical testing. Allele origin: germline.

Labcorp Genetics (formerly Invitae), Labcorp
Classification: Pathogenic. Last evaluated: 2024-02-14. Review status: criteria provided, single submitter. Criteria: Invitae Variant Classification Sherloc (09022015). Collection method: clinical testing. Allele origin: germline.
Comment: This sequence change creates a premature translational stop signal (p.Arg31*) in the ATP6V1B1 gene. It is expected to result in an absent or disrupted protein product. Loss-of-function variants in ATP6V1B1 are known to be pathogenic (PMID: 9916796, 18368028). This variant is not present in population databases (gnomAD no frequency). This premature translational stop signal has been observed in individual(s) with renal tubular acidosis with sensorineural deafness (PMID: 9916796, 23923981). ClinVar contains an entry for this variant (Variation ID: 12225). Algorithms developed to predict the effect of sequence changes on RNA splicing suggest that this variant may disrupt the consensus splice site. For these reasons, this variant has been classified as Pathogenic.

OMIM
Classification: Pathogenic for RENAL TUBULAR ACIDOSIS, DISTAL, 2, WITH PROGRESSIVE SENSORINEURAL HEARING LOSS. Last evaluated: 1999-01-01. Review status: no assertion criteria provided. Collection method: literature only. Allele origin: germline. Not counted in ClinVar's aggregate classification.

Literature cited by the submitters: PubMed 30773598 (cited by Natera, Inc.); PubMed 17216496 (cited by Natera, Inc.); PubMed 19478356 (cited by Natera, Inc.); PubMed 9916796 (cited by 4 submitters); PubMed 18368028 (cited by Labcorp Genetics (formerly Invitae), Labcorp); PubMed 23923981 (cited by Labcorp Genetics (formerly Invitae), Labcorp).